The following is an entry in ClinVar:

ClinVar aggregate classification (germline): Uncertain significance (1 of 4 stars; one submission).

Conditions:
Breast-ovarian cancer, familial, susceptibility to, 4. Identifiers: Orphanet 145, MedGen C3280345, MONDO:0013669, OMIM 614291.

Submission:

Labcorp Genetics (formerly Invitae), Labcorp
Classification: Uncertain significance for Breast-ovarian cancer, familial, susceptibility to, 4. Last evaluated: 2025-02-24. Review status: criteria provided, single submitter. Criteria: Invitae Variant Classification Sherloc (09022015). Collection method: clinical testing. Allele origin: germline.
Comment: This sequence change replaces alanine, which is neutral and non-polar, with leucine, which is neutral and non-polar, at codon 34 of the RAD51D protein (p.Ala34Leu). Information on the frequency of this variant in the gnomAD database is not available, as this variant may be reported differently in the database. This variant has not been reported in the literature in individuals affected with RAD51D-related conditions. An algorithm developed to predict the effect of missense changes on protein structure and function (PolyPhen-2) suggests that this variant is likely to be tolerated. In summary, the available evidence is currently insufficient to determine the role of this variant in disease. Therefore, it has been classified as a Variant of Uncertain Significance.

NM_002878.4(RAD51D):c.100_101delinsTT (p.Ala34Leu)

Genes: RAD51L3-RFFL (RAD51L3-RFFL readthrough; minus strand), RAD51D (RAD51 paralog D; minus strand). Cytogenetic location: 17q12.
Variant type: Indel.
Coding change: c.100_101delinsTT on transcript NM_002878.4 (MANE Select); coding-DNA positions 100 to 101, GC replaced by TT.
Protein change: p.Ala34Leu; replaces alanine 34 with leucine.
Molecular consequence: missense variant. On other transcripts: non-coding transcript variant (2).
Genome position (GRCh38, 1-based): chr17:35,119,154-35,119,155, GC replaced by AA on the plus strand (GC replaced by TT on the coding strand, the reverse complement: RAD51D is on the minus strand). VCF-style: chr17-35119154-GC-AA. GRCh37 (hg19) VCF-style: chr17-33446173-GC-AA.
Other names: c.100_101delinsTT, p.Ala34Leu (NM_001142571.2, NM_133629.3); short protein forms A34L.
Identifiers: ClinVar variation 3641784 (VCV003641784.2).